The following is an entry in ClinVar:

NM_004621.6(TRPC6):c.270T>G (p.Asp90Glu)

Gene: TRPC6 (transient receptor potential cation channel subfamily C member 6; minus strand). Cytogenetic location: 11q22.1.
Variant type: single nucleotide variant.
Coding change: c.270T>G on transcript NM_004621.6 (MANE Select); coding-DNA position 270, T replaced by G.
Protein change: p.Asp90Glu; replaces aspartic acid 90 with glutamic acid.
Molecular consequence: missense variant.
Genome position (GRCh38, 1-based): chr11:101,504,699, A>C on the plus strand (T>G on the coding strand, the complement: TRPC6 is on the minus strand). VCF-style: chr11-101504699-A-C. GRCh37 (hg19) VCF-style: chr11-101375430-A-C.
Other names: short protein forms D90E.
Identifiers: ClinVar variation 3642813 (VCV003642813.2).

ClinVar aggregate classification (germline): Uncertain significance (1 of 4 stars; one submission).

Submission:

Labcorp Genetics (formerly Invitae), Labcorp
Classification: Uncertain significance. Last evaluated: 2024-02-23. Review status: criteria provided, single submitter. Criteria: Invitae Variant Classification Sherloc (09022015). Collection method: clinical testing. Allele origin: germline.
Comment: This sequence change replaces aspartic acid, which is acidic and polar, with glutamic acid, which is acidic and polar, at codon 90 of the TRPC6 protein (p.Asp90Glu). This variant is not present in population databases (gnomAD no frequency). This variant has not been reported in the literature in individuals affected with TRPC6-related conditions. Advanced modeling of protein sequence and biophysical properties (such as structural, functional, and spatial information, amino acid conservation, physicochemical variation, residue mobility, and thermodynamic stability) performed at Invitae indicates that this missense variant is not expected to disrupt TRPC6 protein function with a negative predictive value of 80%. In summary, the available evidence is currently insufficient to determine the role of this variant in disease. Therefore, it has been classified as a Variant of Uncertain Significance.